The following is an entry in ClinVar:

ClinVar aggregate classification (germline): Uncertain significance (1 of 4 stars; one submission).

Submission:

GeneDx
Classification: Uncertain significance. Last evaluated: 2025-09-11. Review status: criteria provided, single submitter. Criteria: GeneDx Variant Classification Process June 2021. Collection method: clinical testing. Allele origin: germline.
Comment: Not observed at significant frequency in large population cohorts (gnomAD); In silico analysis supports that this missense variant has a deleterious effect on protein structure/function; Has not been previously published as pathogenic or benign to our knowledge

NM_001393769.1(MED12L):c.1413T>G (p.Phe471Leu)

Gene: MED12L (mediator complex subunit 12L; plus strand). Cytogenetic location: 3q25.1.
Variant type: single nucleotide variant.
Coding change: c.1413T>G on transcript NM_001393769.1 (MANE Select); coding-DNA position 1413, T replaced by G.
Protein change: p.Phe471Leu; replaces phenylalanine 471 with leucine.
Molecular consequence: missense variant.
Genome position (GRCh38, 1-based): chr3:151,165,901, T>G. VCF-style: chr3-151165901-T-G. GRCh37 (hg19) VCF-style: chr3-150883688-T-G.
Other names: c.1413T>G, p.Phe471Leu (NM_053002.6); short protein forms F471L.
Identifiers: ClinVar variation 3893389 (VCV003893389.2).